The following is an entry in ClinVar:

ClinVar aggregate classification (germline): Uncertain significance (1 of 4 stars; one submission).

Conditions:
Tourette syndrome (GTS). Also called: GILLES DE LA TOURETTE SYNDROME. Identifiers: MedGen C0040517, MONDO:0007661, OMIM 137580.

Allele frequency attached by ClinVar (database versions not stated): gnomAD 0.00001; gnomAD exomes 0.00003 and 0.00012; TOPMed 0.00005.

Submission:

Illumina Laboratory Services, Illumina
Classification: Uncertain significance for Tourette syndrome. Last evaluated: 2017-04-28. Review status: criteria provided, single submitter. Criteria: ICSL Variant Classification Criteria 13 December 2019. Collection method: clinical testing. Allele origin: germline.
Comment: This variant was observed as part of a predisposition screen in an ostensibly healthy population. A literature search was performed for the gene, cDNA change, and amino acid change (where applicable). Publications were found based on this search. However, the evidence from the literature, in combination with allele frequency data from public databases where available, was not sufficient to rule this variant in or out of causing disease. Therefore, this variant is classified as a variant of unknown significance.

Literature cited by the submitters: PubMed 17003809; PubMed 23528612; PubMed 23835198; PubMed 27812321; PubMed 22942103.

NM_001281503.2(SLITRK1):c.1751G>A (p.Arg584Lys)

Gene: SLITRK1 (SLIT and NTRK like family member 1; minus strand). Cytogenetic location: 13q31.1.
Variant type: single nucleotide variant.
Coding change: c.1751G>A on transcript NM_001281503.2 (MANE Select); coding-DNA position 1751, G replaced by A.
Protein change: p.Arg584Lys; replaces arginine 584 with lysine.
Molecular consequence: missense variant.
Genome position (GRCh38, 1-based): chr13:83,879,757, C>T on the plus strand (G>A on the coding strand, the complement: SLITRK1 is on the minus strand). VCF-style: chr13-83879757-C-T. GRCh37 (hg19) VCF-style: chr13-84453892-C-T.
Other names: c.1751G>A, p.Arg584Lys (NM_052910.2); short protein forms R584K.
Identifiers: ClinVar variation 881028 (VCV000881028.4), dbSNP rs1035448844, ClinGen allele CA253151721.
Genomic context (GRCh38, chr13:83,879,757, plus strand): 5'-GTCCCGGTCTCCGCCAACCCAGTGCTGTTTTTACTGTGCGAAGTTAACGTGGGCGAGATC[C>T]TAGCGTACAGCTGAGGGCAGATCTCGTCATTGGAGAGGAGCATGAAATCCTTTCTAAAGA-3'
Protein context (NP_001268432.1, residues 574-594): NDEICPQLYA[Arg584Lys]ISPTLTSHSK